The following is an entry in ClinVar:

NM_002691.4(POLD1):c.223A>G (p.Ile75Val)

Gene: POLD1 (DNA polymerase delta 1, catalytic subunit; plus strand). Cytogenetic location: 19q13.33.
Variant type: single nucleotide variant.
Coding change: c.223A>G on transcript NM_002691.4 (MANE Select); coding-DNA position 223, A replaced by G.
Protein change: p.Ile75Val; replaces isoleucine 75 with valine.
Molecular consequence: missense variant. On other transcripts: non-coding transcript variant (1).
Genome position (GRCh38, 1-based): chr19:50,399,391, A>G. VCF-style: chr19-50399391-A-G. GRCh37 (hg19) VCF-style: chr19-50902648-A-G.
Other names: c.223A>G, p.Ile75Val (NM_001256849.1, NM_001308632.1); short protein forms I75V.
Identifiers: ClinVar variation 408088 (VCV000408088.14), dbSNP rs940296193, ClinGen allele CA16616307.

ClinVar aggregate classification (germline): Conflicting classifications of pathogenicity. Review status: criteria provided, conflicting classifications (1 of 4 stars). 5 submissions from 5 submitters: Uncertain significance (4); Likely benign (1). Last evaluated 2026-01-19.

Conditions:
POLD1-related polyposis and colorectal cancer syndrome (CRCS10). Also called: Colorectal cancer, susceptibility to, 10; Colorectal cancer 10; COLORECTAL CANCER, SUSCEPTIBILITY TO, ON CHROMOSOME 19q. Identifiers: Orphanet 220460, MedGen C2675481, MONDO:0012953, OMIM 612591.
Mandibular hypoplasia-deafness-progeroid syndrome. Also called: Mandibular hypoplasia, deafness, progeroid features, and lipodystrophy syndrome. Identifiers: Orphanet 363649, MedGen C3715192, MONDO:0014157, OMIM 615381.
Hereditary cancer-predisposing syndrome. Also called: Neoplastic Syndromes, Hereditary; Hereditary neoplastic syndrome; Hereditary Cancer Syndrome; Tumor predisposition. Identifiers: Orphanet 140162, MedGen C0027672, MeSH D009386, MONDO:0015356.

Allele frequency attached by ClinVar (database versions not stated): gnomAD exomes below 0.00001 and 0.00003; TOPMed 0.00001.
gnomAD v4.1: 38 of 1,614,088 alleles (0.0024%); highest among the groups gnomAD compares: Non-Finnish European, 0.0031%; no homozygotes.

Submissions (5):

Labcorp Genetics (formerly Invitae), Labcorp
Classification: Uncertain significance for POLD1-related polyposis and colorectal cancer syndrome. Last evaluated: 2026-01-19. Review status: criteria provided, single submitter. Criteria: Invitae Variant Classification Sherloc (09022015). Collection method: clinical testing. Allele origin: germline.
Comment: This sequence change replaces isoleucine, which is neutral and non-polar, with valine, which is neutral and non-polar, at codon 75 of the POLD1 protein (p.Ile75Val). This variant is present in population databases (no rsID available, gnomAD 0.0009%). This variant has not been reported in the literature in individuals affected with POLD1-related conditions. ClinVar contains an entry for this variant (Variation ID: 408088). Invitae Evidence Modeling of protein sequence and biophysical properties (such as structural, functional, and spatial information, amino acid conservation, physicochemical variation, residue mobility, and thermodynamic stability) indicates that this missense variant is not expected to disrupt POLD1 protein function with a negative predictive value of 80%. In summary, the available evidence is currently insufficient to determine the role of this variant in disease. Therefore, it has been classified as a Variant of Uncertain Significance.

Center for Genomic Medicine, Rigshospitalet, Copenhagen University Hospital
Classification: Uncertain significance. Last evaluated: 2025-12-29. Review status: criteria provided, single submitter. Criteria: ACMG Guidelines, 2015. Collection method: clinical testing. Allele origin: germline.
Comment: Classification criteria: BP4_Moderate

Ambry Genetics
Classification: Likely benign for Hereditary cancer-predisposing syndrome. Last evaluated: 2024-03-21. Review status: criteria provided, single submitter. Criteria: Ambry Variant Classification Scheme 2023. Collection method: clinical testing. Allele origin: germline.

GeneDx
Classification: Uncertain significance. Last evaluated: 2022-12-14. Review status: criteria provided, single submitter. Criteria: GeneDx Variant Classification Process June 2021. Collection method: clinical testing. Allele origin: germline. Affected: yes.
Comment: Not observed at significant frequency in large population cohorts (gnomAD); In silico analysis supports that this missense variant does not alter protein structure/function; Has not been previously published as pathogenic or benign to our knowledge

Fulgent Genetics
Classification: Uncertain significance for POLD1-related polyposis and colorectal cancer syndrome; Mandibular hypoplasia-deafness-progeroid syndrome. Last evaluated: 2018-10-31. Review status: criteria provided, single submitter. Criteria: ACMG Guidelines, 2015. Collection method: clinical testing. Allele origin: unknown.